The following is an entry in ClinVar:

NM_145290.4(ADGRA3):c.2072G>A (p.Arg691His)

Gene: ADGRA3 (adhesion G protein-coupled receptor A3; minus strand). Cytogenetic location: 4p15.2.
Variant type: single nucleotide variant.
Coding change: c.2072G>A on transcript NM_145290.4 (MANE Select); coding-DNA position 2072, G replaced by A.
Protein change: p.Arg691His; replaces arginine 691 with histidine.
Molecular consequence: missense variant.
Genome position (GRCh38, 1-based): chr4:22,413,342, C>T on the plus strand (G>A on the coding strand, the complement: ADGRA3 is on the minus strand). VCF-style: chr4-22413342-C-T. GRCh37 (hg19) VCF-style: chr4-22414965-C-T.
Other names: short protein forms R691H.
Identifiers: ClinVar variation 2075723 (VCV002075723.5), dbSNP rs201944807, ClinGen allele CA2873744.
Genomic context (GRCh38, chr4:22,413,342, plus strand): 5'-CCGTTCAGCAAATCGAAATCCCACCGGGCTGCAACAGCATCTGCTCCATGTGCAATTCGA[C>T]GCAGTGTCACATTAACAGGGATGTGGTGGGTATCTACATTCACACCATCTGGAGAAAATG-3'
Protein context (NP_660333.2, residues 681-701): THHIPVNVTL[Arg691His]RIAHGADAVA

ClinVar aggregate classification (germline): Uncertain significance. Review status: criteria provided, single submitter (1 of 4 stars). 2 submissions from 2 submitters: Uncertain significance (1). 1 of the submissions does not count toward it. Last evaluated 2025-09-16.

Conditions:
Retinal dystrophy. Also called: Inherited retinal dystrophy. Identifiers: Orphanet 71862, MedGen C0854723, MeSH D058499, MONDO:0019118, HP:0000556.

Allele frequency attached by ClinVar (database versions not stated): gnomAD exomes 0.00004; ExAC 0.00012; gnomAD 0.00014; 1000 Genomes Project 30x 0.00016; 1000 Genomes Project 0.00020; TOPMed 0.00020; ESP Exome Variant Server 0.00046.
gnomAD v4.1: 79 of 1,614,042 alleles (0.0049%); highest among the groups gnomAD compares: Middle Eastern, 0.033%; no homozygotes.

Submissions (2):

Labcorp Genetics (formerly Invitae), Labcorp
Classification: Uncertain significance. Last evaluated: 2025-09-16. Review status: criteria provided, single submitter. Criteria: Invitae Variant Classification Sherloc (09022015). Collection method: clinical testing. Allele origin: germline.
Comment: This sequence change replaces arginine, which is basic and polar, with histidine, which is basic and polar, at codon 691 of the ADGRA3 protein (p.Arg691His). This variant is present in population databases (rs201944807, gnomAD 0.02%). This variant has not been reported in the literature in individuals affected with ADGRA3-related conditions. ClinVar contains an entry for this variant (Variation ID: 2075723). An algorithm developed to predict the effect of missense changes on protein structure and function (PolyPhen-2) suggests that this variant is likely to be disruptive. In summary, the available evidence is currently insufficient to determine the role of this variant in disease. Therefore, it has been classified as a Variant of Uncertain Significance.

Institute of Human Genetics, Univ. Regensburg, Univ. Regensburg
Classification: Uncertain significance for Retinal dystrophy. Last evaluated: 2018-01-01. Review status: no assertion criteria provided. Criteria: ACMG Guidelines, 2015. Collection method: clinical testing. Allele origin: germline. Affected: yes. Not counted in ClinVar's aggregate classification.